The following is an entry in ClinVar:

NM_001318777.2(TIRAP):c.48G>A (p.Lys16=)

Gene: TIRAP (TIR domain containing adaptor protein; plus strand). Cytogenetic location: 11q24.2.
Variant type: single nucleotide variant.
Coding change: c.48G>A on transcript NM_001318777.2 (MANE Select); coding-DNA position 48, G replaced by A.
Protein change: p.Lys16=; no amino-acid change (lysine 16 retained).
Molecular consequence: synonymous variant.
Genome position (GRCh38, 1-based): chr11:126,290,942, G>A. VCF-style: chr11-126290942-G-A. GRCh37 (hg19) VCF-style: chr11-126160837-G-A.
Other names: c.48G>A, p.Lys16= (NM_001039661.2, NM_001318776.2, NM_148910.3).
Identifiers: ClinVar variation 3061568 (VCV003061568.2), dbSNP rs1686822328, ClinGen allele CA477520384.

ClinVar aggregate classification (germline): Likely benign (0 of 4 stars; one submission).

Conditions:
TIRAP-related disorder. Also called: TIRAP-related condition.

Submission:

PreventionGenetics, part of Exact Sciences
Classification: Likely benign for TIRAP-related condition. Last evaluated: 2023-09-08. Review status: no assertion criteria provided. Collection method: clinical testing. Allele origin: germline.
Comment: This variant is classified as likely benign based on ACMG/AMP sequence variant interpretation guidelines (Richards et al. 2015 PMID: 25741868, with internal and published modifications).